The following is an entry in ClinVar:

ClinVar aggregate classification (germline): Uncertain significance. Review status: criteria provided, multiple submitters, no conflicts (2 of 4 stars). 2 submissions from 2 submitters: Uncertain significance (2). Last evaluated 2024-03-31.

Conditions:
Cataract 6 multiple types. Also called: CATARACT, AGE-RELATED CORTICAL, 2; CATARACT 6, POSTERIOR POLAR; CATARACT 6, CONGENITAL TOTAL. Identifiers: Orphanet 91492, MedGen C1861825, MONDO:0007288, OMIM 116600.

gnomAD v4.1: 28 of 1,612,580 alleles (0.0017%); highest among the groups gnomAD compares: Non-Finnish European, 0.0024%; no homozygotes.

Submissions (2):

Labcorp Genetics (formerly Invitae), Labcorp
Classification: Uncertain significance for Cataract 6 multiple types. Last evaluated: 2024-03-31. Review status: criteria provided, single submitter. Criteria: Invitae Variant Classification Sherloc (09022015). Collection method: clinical testing. Allele origin: germline.
Comment: This sequence change replaces aspartic acid, which is acidic and polar, with asparagine, which is neutral and polar, at codon 53 of the EPHA2 protein (p.Asp53Asn). This variant is present in population databases (rs779660280, gnomAD 0.003%). This variant has not been reported in the literature in individuals affected with EPHA2-related conditions. Advanced modeling of protein sequence and biophysical properties (such as structural, functional, and spatial information, amino acid conservation, physicochemical variation, residue mobility, and thermodynamic stability) performed at Invitae indicates that this missense variant is not expected to disrupt EPHA2 protein function with a negative predictive value of 80%. In summary, the available evidence is currently insufficient to determine the role of this variant in disease. Therefore, it has been classified as a Variant of Uncertain Significance.

Department of Pathology and Laboratory Medicine, Sinai Health System
Classification: Uncertain significance for Cataract 6 multiple types. Last evaluated: 2022-08-23. Review status: criteria provided, single submitter. Criteria: ACMG Guidelines, 2015. Collection method: research. Allele origin: germline.

NM_004431.5(EPHA2):c.157G>A (p.Asp53Asn)

Gene: EPHA2 (EPH receptor A2; minus strand). Cytogenetic location: 1p36.13.
Variant type: single nucleotide variant.
Coding change: c.157G>A on transcript NM_004431.5 (MANE Select); coding-DNA position 157, G replaced by A.
Protein change: p.Asp53Asn; replaces aspartic acid 53 with asparagine.
Molecular consequence: missense variant. On other transcripts: 5 prime UTR variant (1).
Genome position (GRCh38, 1-based): chr1:16,149,044, C>T on the plus strand (G>A on the coding strand, the complement: EPHA2 is on the minus strand). VCF-style: chr1-16149044-C-T. GRCh37 (hg19) VCF-style: chr1-16475539-C-T.
Other names: c.-6G>A (NM_001329090.2); short protein forms D53N.
Identifiers: ClinVar variation 3667331 (VCV003667331.3).